The following is an entry in ClinVar:

ClinVar aggregate classification (germline): Uncertain significance (1 of 4 stars; one submission).

Submission:

Ambry Genetics
Classification: Uncertain significance. Last evaluated: 2024-10-27. Review status: criteria provided, single submitter. Criteria: Ambry Variant Classification Scheme 2023. Collection method: clinical testing. Allele origin: germline.
Comment: The p.K811R variant (also known as c.2432A>G), located in coding exon 24 of the NEBL gene, results from an A to G substitution at nucleotide position 2432. The lysine at codon 811 is replaced by arginine, an amino acid with highly similar properties. This amino acid position is conserved. In addition, this alteration is predicted to be tolerated by in silico analysis. Based on the available evidence, the clinical significance of this variant remains unclear.

NM_006393.3(NEBL):c.2432A>G (p.Lys811Arg)

Gene: NEBL (nebulette; minus strand). Cytogenetic location: 10p12.31.
Variant type: single nucleotide variant.
Coding change: c.2432A>G on transcript NM_006393.3 (MANE Select); coding-DNA position 2432, A replaced by G.
Protein change: p.Lys811Arg; replaces lysine 811 with arginine.
Molecular consequence: missense variant.
Genome position (GRCh38, 1-based): chr10:20,812,855, T>C on the plus strand (A>G on the coding strand, the complement: NEBL is on the minus strand). VCF-style: chr10-20812855-T-C. GRCh37 (hg19) VCF-style: chr10-21101784-T-C.
Other names: c.443A>G, p.Lys148Arg (NM_001173484.2, NM_001377322.1, NM_213569.2); c.395A>G, p.Lys132Arg (NM_001377323.1); c.386A>G, p.Lys129Arg (NM_001377324.1); c.377A>G, p.Lys126Arg (NM_001377325.1); c.335A>G, p.Lys112Arg (NM_001377326.1, NM_001377327.1, NM_001377328.1); short protein forms K112R, K132R, K148R, K811R, K126R, K129R.
Identifiers: ClinVar variation 3404010 (VCV003404010.1).